The following is an entry in ClinVar:

NM_005591.4(MRE11):c.2072A>G (p.Asp691Gly)

Gene: MRE11 (MRE11 double strand break repair nuclease; minus strand). Cytogenetic location: 11q21.
Variant type: single nucleotide variant.
Coding change: c.2072A>G on transcript NM_005591.4 (MANE Select); coding-DNA position 2072, A replaced by G.
Protein change: p.Asp691Gly; replaces aspartic acid 691 with glycine.
Molecular consequence: missense variant.
Genome position (GRCh38, 1-based): chr11:94,420,180, T>C on the plus strand (A>G on the coding strand, the complement: MRE11 is on the minus strand). VCF-style: chr11-94420180-T-C. GRCh37 (hg19) VCF-style: chr11-94153346-T-C.
Other names: c.2069A>G, p.Asp690Gly (NM_001330347.2, NM_001440464.1, NM_001440465.1); c.2123A>G, p.Asp708Gly (NM_001440460.1, NM_001440461.1); c.2072A>G, p.Asp691Gly (NM_001440462.1, NM_001440463.1); c.2039A>G, p.Asp680Gly (NM_001440466.1); c.2009A>G, p.Asp670Gly (NM_001440467.1, NM_001440468.1, NM_001440469.1); c.2006A>G, p.Asp669Gly (NM_001440470.1); c.1997A>G, p.Asp666Gly (NM_001440471.1); c.1994A>G, p.Asp665Gly (NM_001440472.1); and 8 more; short protein forms D535G, D663G, D665G, D666G, D576G, D669G, D680G, D642G.
Identifiers: ClinVar variation 4824445 (VCV004824445.1).

ClinVar aggregate classification (germline): Uncertain significance (1 of 4 stars; one submission).

Conditions:
Hereditary cancer-predisposing syndrome. Also called: Neoplastic Syndromes, Hereditary; Hereditary neoplastic syndrome; Tumor predisposition; Hereditary Cancer Syndrome. Identifiers: Orphanet 140162, MedGen C0027672, MeSH D009386, MONDO:0015356.

Submission:

Ambry Genetics
Classification: Uncertain significance for Hereditary cancer-predisposing syndrome. Last evaluated: 2026-01-24. Review status: criteria provided, single submitter. Criteria: Ambry Variant Classification Scheme 2023. Collection method: clinical testing. Allele origin: germline.
Comment: The p.D691G variant (also known as c.2072A>G), located in coding exon 19 of the MRE11A gene, results from an A to G substitution at nucleotide position 2072. The aspartic acid at codon 691 is replaced by glycine, an amino acid with similar properties. This amino acid position is conserved. In addition, the in silico prediction for this alteration is inconclusive. Based on the available evidence, the clinical significance of this variant remains unclear.